The following is an entry in ClinVar:

ClinVar aggregate classification (germline): Likely benign. Review status: criteria provided, single submitter (1 of 4 stars). 2 submissions from 2 submitters: Likely benign (1). 1 of the submissions does not count toward it. Last evaluated 2018-12-19.

Conditions:
ATP13A4-related disorder. Also called: ATP13A4-related condition.

Allele frequency attached by ClinVar (database versions not stated): gnomAD exomes 0.00004 and 0.00006; ExAC 0.00006; ESP Exome Variant Server 0.00015.
gnomAD v4.1: 57 of 1,600,378 alleles (0.0036%); highest among the groups gnomAD compares: South Asian, 0.0044%; no homozygotes.

Submissions (2):

Labcorp Genetics (formerly Invitae), Labcorp
Classification: Likely benign. Last evaluated: 2018-12-19. Review status: criteria provided, single submitter. Criteria: Invitae Variant Classification Sherloc (09022015). Collection method: clinical testing. Allele origin: germline.

PreventionGenetics, part of Exact Sciences
Classification: Likely benign for ATP13A4-related condition. Last evaluated: 2019-08-12. Review status: no assertion criteria provided. Collection method: clinical testing. Allele origin: germline. Not counted in ClinVar's aggregate classification.
Comment: This variant is classified as likely benign based on ACMG/AMP sequence variant interpretation guidelines (Richards et al. 2015 PMID: 25741868, with internal and published modifications).

NM_032279.4(ATP13A4):c.739-9C>G

Gene: ATP13A4 (ATPase 13A4; minus strand). Cytogenetic location: 3q29.
Variant type: single nucleotide variant.
Coding change: c.739-9C>G on transcript NM_032279.4 (MANE Select); 9 bases into the intron before coding-DNA position 739, C replaced by G.
Molecular consequence: intron variant.
Genome position (GRCh38, 1-based): chr3:193,484,014, G>C on the plus strand (C>G on the coding strand, the complement: ATP13A4 is on the minus strand). VCF-style: chr3-193484014-G-C. GRCh37 (hg19) VCF-style: chr3-193201803-G-C.
Identifiers: ClinVar variation 760378 (VCV000760378.5), dbSNP rs371972091, ClinGen allele CA2758619.